The following is an entry in ClinVar:

NM_016333.4(SRRM2):c.3744C>T (p.Pro1248=)

Gene: SRRM2 (serine/arginine repetitive matrix 2; plus strand). Cytogenetic location: 16p13.3.
Variant type: single nucleotide variant.
Coding change: c.3744C>T on transcript NM_016333.4 (MANE Select); coding-DNA position 3744, C replaced by T.
Protein change: p.Pro1248=; no amino-acid change (proline 1248 retained).
Molecular consequence: synonymous variant.
Genome position (GRCh38, 1-based): chr16:2,764,272, C>T. VCF-style: chr16-2764272-C-T. GRCh37 (hg19) VCF-style: chr16-2814273-C-T.
Identifiers: ClinVar variation 4084348 (VCV004084348.8).

ClinVar aggregate classification (germline): Likely benign (1 of 4 stars; one submission).

Submission:

CeGaT Center for Human Genetics Tuebingen
Classification: Likely benign. Last evaluated: 2025-08-01. Review status: criteria provided, single submitter. Criteria: CeGaT Center For Human Genetics Tuebingen Variant Classification Criteria Version 2. Collection method: clinical testing. Allele origin: germline. Affected: yes. Observed: 1 variant allele.
Comment: SRRM2: BP4, BP7